The following is an entry in ClinVar:

ClinVar aggregate classification (germline): Uncertain significance (1 of 4 stars; one submission).

gnomAD v4.1: 9 of 1,614,010 alleles (0.00056%); highest among the groups gnomAD compares: Admixed American, 0.005%; no homozygotes.

Submission:

GeneDx
Classification: Uncertain significance. Last evaluated: 2023-05-16. Review status: criteria provided, single submitter. Criteria: GeneDx Variant Classification Process June 2021. Collection method: clinical testing. Allele origin: germline. Affected: yes.
Comment: Not observed at significant frequency in large population cohorts (gnomAD); In silico analysis supports that this missense variant does not alter protein structure/function; Has not been previously published as pathogenic or benign to our knowledge; This variant is associated with the following publications: (PMID: 21559443)

NM_015087.5(SPART):c.1615A>G (p.Met539Val)

Gene: SPART (spartin; minus strand). Cytogenetic location: 13q13.3.
Variant type: single nucleotide variant.
Coding change: c.1615A>G on transcript NM_015087.5 (MANE Select); coding-DNA position 1615, A replaced by G.
Protein change: p.Met539Val; replaces methionine 539 with valine.
Molecular consequence: missense variant.
Genome position (GRCh38, 1-based): chr13:36,312,346, T>C on the plus strand (A>G on the coding strand, the complement: SPART is on the minus strand). VCF-style: chr13-36312346-T-C. GRCh37 (hg19) VCF-style: chr13-36886483-T-C.
Other names: c.1615A>G, p.Met539Val (NM_001142294.2, NM_001142295.2, NM_001142296.2); short protein forms M539V.
Identifiers: ClinVar variation 3343444 (VCV003343444.1).